The following is an entry in ClinVar:

NM_001387283.1(SMARCA4):c.4266G>A (p.Lys1422=)

Gene: SMARCA4 (SWI/SNF related BAF chromatin remodeling complex subunit ATPase 4; plus strand). Cytogenetic location: 19p13.2.
Variant type: single nucleotide variant.
Coding change: c.4266G>A on transcript NM_001387283.1 (MANE Plus Clinical); coding-DNA position 4266, G replaced by A.
Protein change: p.Lys1422=; no amino-acid change (lysine 1422 retained).
Molecular consequence: synonymous variant. On other transcripts: intron variant (7).
Genome position (GRCh38, 1-based): chr19:11,039,553, G>A. VCF-style: chr19-11039553-G-A. GRCh37 (hg19) VCF-style: chr19-11150229-G-A.
Other names: c.4266G>A, p.Lys1422= (NM_001128849.3); c.4171-1754G>A (NM_001128844.3, NM_003072.5); c.4072-1754G>A (NM_001128847.4, NM_001374457.1, NM_001128848.2); c.4072-1745G>A (NM_001128845.2, NM_001128846.2).
Identifiers: ClinVar variation 486458 (VCV000486458.8), dbSNP rs896036433, ClinGen allele CA305293371.

ClinVar aggregate classification (germline): Uncertain significance. Review status: criteria provided, multiple submitters, no conflicts (2 of 4 stars). 2 submissions from 2 submitters: Uncertain significance (2). Last evaluated 2024-02-11.

Conditions:
Hereditary cancer-predisposing syndrome. Also called: Tumor predisposition; Hereditary Cancer Syndrome; Hereditary neoplastic syndrome; Neoplastic Syndromes, Hereditary. Identifiers: Orphanet 140162, MedGen C0027672, MeSH D009386, MONDO:0015356.
Rhabdoid tumor predisposition syndrome 2 (RTPS2). Identifiers: Orphanet 231108, Orphanet 69077, MedGen C2750074, MONDO:0013224, OMIM 613325.

Allele frequency attached by ClinVar (database versions not stated): gnomAD 0.00001; TOPMed 0.00001.
gnomAD v4.1: 3 of 1,589,082 alleles (0.00019%); highest among the groups gnomAD compares: Middle Eastern, 0.017%; no homozygotes.

Submissions (2):

Labcorp Genetics (formerly Invitae), Labcorp
Classification: Uncertain significance for Rhabdoid tumor predisposition syndrome 2. Last evaluated: 2024-02-11. Review status: criteria provided, single submitter. Criteria: Invitae Variant Classification Sherloc (09022015). Collection method: clinical testing. Allele origin: germline.
Comment: This sequence change affects codon 1422 of the SMARCA4 mRNA. It is a 'silent' change, meaning that it does not change the encoded amino acid sequence of the SMARCA4 protein. This variant also falls at the last nucleotide of exon 30, which is part of the consensus splice site for this exon. This variant is not present in population databases (gnomAD no frequency). This variant has not been reported in the literature in individuals affected with SMARCA4-related conditions. ClinVar contains an entry for this variant (Variation ID: 486458). Variants that disrupt the consensus splice site are a relatively common cause of aberrant splicing (PMID: 17576681, 9536098). Studies have shown this variant is associated with skipping of exon 30, but one or more of the resulting mRNA isoform(s) may be naturally occurring (Invitae). In summary, the available evidence is currently insufficient to determine the role of this variant in disease. Therefore, it has been classified as a Variant of Uncertain Significance.

Ambry Genetics
Classification: Uncertain significance for Hereditary cancer-predisposing syndrome. Last evaluated: 2024-01-08. Review status: criteria provided, single submitter. Criteria: Ambry Variant Classification Scheme 2023. Collection method: clinical testing. Allele origin: germline.
Comment: The c.4266G>A variant (also known as p.K1422K), located in coding exon 29 of the SMARCA4 gene, results from a G to A substitution at nucleotide position 4266. This nucleotide substitution does not change the at codon 1422. However, this change occurs in the last base pair of coding exon 29, which makes it likely to have some effect on normal mRNA splicing. This nucleotide position is conserved on limited sequence alignment. In silico splice site analysis predicts that this alteration will not have any significant effect on splicing. Since supporting evidence is limited at this time, the clinical significance of this alteration remains unclear.

Literature cited by the submitters: PubMed 17576681 (cited by Labcorp Genetics (formerly Invitae), Labcorp); PubMed 9536098 (cited by Labcorp Genetics (formerly Invitae), Labcorp).